The following is an entry in ClinVar:

ClinVar aggregate classification (germline): Uncertain significance (1 of 4 stars; one submission).

Conditions:
Joubert syndrome 20 (JBTS20). Identifiers: Orphanet 475, MedGen C3554235, MONDO:0013994, OMIM 614970.
Meckel syndrome, type 11 (MKS11). Identifiers: Orphanet 564, MedGen C3809352, MONDO:0014164, OMIM 615397.

Submission:

Labcorp Genetics (formerly Invitae), Labcorp
Classification: Uncertain significance for Joubert syndrome 20; Meckel syndrome, type 11. Last evaluated: 2021-09-01. Review status: criteria provided, single submitter. Criteria: Invitae Variant Classification Sherloc (09022015). Collection method: clinical testing. Allele origin: germline.
Comment: This sequence change replaces phenylalanine with leucine at codon 315 of the TMEM231 protein (p.Phe315Leu). The phenylalanine residue is highly conserved and there is a small physicochemical difference between phenylalanine and leucine. This variant is not present in population databases (ExAC no frequency). This variant has not been reported in the literature in individuals affected with TMEM231-related conditions. Algorithms developed to predict the effect of missense changes on protein structure and function are either unavailable or do not agree on the potential impact of this missense change (SIFT: "Deleterious"; PolyPhen-2: "Not Available"; Align-GVGD: "Class C15"). In summary, the available evidence is currently insufficient to determine the role of this variant in disease. Therefore, it has been classified as a Variant of Uncertain Significance.

NM_001077418.3(TMEM231):c.786C>G (p.Phe262Leu)

Gene: TMEM231 (transmembrane protein 231; minus strand). Cytogenetic location: 16q23.1.
Variant type: single nucleotide variant.
Coding change: c.786C>G on transcript NM_001077418.3 (MANE Select); coding-DNA position 786, C replaced by G.
Protein change: p.Phe262Leu; replaces phenylalanine 262 with leucine.
Molecular consequence: missense variant. On other transcripts: non-coding transcript variant (1).
Genome position (GRCh38, 1-based): chr16:75,540,159, G>C on the plus strand (C>G on the coding strand, the complement: TMEM231 is on the minus strand). VCF-style: chr16-75540159-G-C. GRCh37 (hg19) VCF-style: chr16-75574057-G-C.
Other names: c.945C>G, p.Phe315Leu (NM_001077416.2); short protein forms F262L, F315L.
Identifiers: ClinVar variation 1062223 (VCV001062223.6), dbSNP rs2151697774, ClinGen allele CA396803128.